The following is an entry in ClinVar:

ClinVar aggregate classification (germline): Pathogenic (1 of 4 stars; one submission).

Conditions:
Multiple congenital anomalies-hypotonia-seizures syndrome 1 (MCAHS1). Also called: GLYCOSYLPHOSPHATIDYLINOSITOL BIOSYNTHESIS DEFECT 3; PIGN-CDG; Congenital disorder of glycosylation due to PIGN deficiency. Identifiers: Orphanet 280633, MedGen C3279775, MONDO:0013563, OMIM 614080.

Submission:

Labcorp Genetics (formerly Invitae), Labcorp
Classification: Pathogenic for Multiple congenital anomalies-hypotonia-seizures syndrome 1. Last evaluated: 2023-03-13. Review status: criteria provided, single submitter. Criteria: Invitae Variant Classification Sherloc (09022015). Collection method: clinical testing. Allele origin: germline.
Comment: This sequence change creates a premature translational stop signal (p.Tyr668*) in the PIGN gene. It is expected to result in an absent or disrupted protein product. Loss-of-function variants in PIGN are known to be pathogenic (PMID: 24253414, 27038415). This variant is not present in population databases (gnomAD no frequency). This variant has not been reported in the literature in individuals affected with PIGN-related conditions. For these reasons, this variant has been classified as Pathogenic.

Literature cited by the submitters: PubMed 24253414; PubMed 27038415.

NM_176787.5(PIGN):c.2004_2005del (p.Tyr668_Ser669delinsTer)

Gene: PIGN (phosphatidylinositol glycan anchor biosynthesis class N; minus strand). Cytogenetic location: 18q21.33.
Variant type: Microsatellite.
Coding change: c.2004_2005del on transcript NM_176787.5 (MANE Select); coding-DNA positions 2004 to 2005, 2 bases deleted (TA; older notation c.2004_2005delTA).
Protein change: p.Tyr668_Ser669delinsTer.
Molecular consequence: nonsense.
Genome position (GRCh38, 1-based): chr18:62,101,147-62,101,148, TA deleted on the plus strand (TA on the coding strand, the reverse complement: PIGN is on the minus strand); deleting any 2 consecutive bases within chr18:62,101,147-62,101,150 gives the same sequence; the c. name uses the placement nearest the transcript's 3' end. VCF-style (leftmost placement, unchanged base first): chr18-62101146-CTA-C. GRCh37 (hg19) VCF-style: chr18-59768379-CTA-C.
Other names: c.2004_2005del, p.Tyr668_Ser669delinsTer (NM_012327.6).
Identifiers: ClinVar variation 2725464 (VCV002725464.3), dbSNP rs2512815753, ClinGen allele CA2576663708.